The following is an entry in ClinVar:

ClinVar aggregate classification (germline): Conflicting classifications of pathogenicity. Review status: criteria provided, conflicting classifications (1 of 4 stars). 3 submissions from 3 submitters: Uncertain significance (2); Likely benign (1). Last evaluated 2025-08-28.

Conditions:
Hereditary cancer-predisposing syndrome. Also called: Neoplastic Syndromes, Hereditary; Tumor predisposition; Hereditary Cancer Syndrome; Hereditary neoplastic syndrome. Identifiers: Orphanet 140162, MedGen C0027672, MeSH D009386, MONDO:0015356.
Hereditary breast ovarian cancer syndrome. Also called: Hereditary breast and ovarian cancer; Hereditary breast and ovarian cancer syndrome (HBOC); Hereditary breast and ovarian cancer syndrome; BRCA1- and BRCA2-Associated Hereditary Breast and Ovarian Cancer; Hereditary breast and/or ovarian cancer syndrome; Breast and ovarian cancer. Identifiers: Orphanet 145, MedGen C0677776, MeSH D061325, MONDO:0003582. Disease mechanism: loss of function.

Submissions (3):

Ambry Genetics
Classification: Uncertain significance for Hereditary cancer-predisposing syndrome. Last evaluated: 2025-08-28. Review status: criteria provided, single submitter. Criteria: Ambry Variant Classification Scheme 2023. Collection method: clinical testing. Allele origin: germline.
Comment: The p.E1016A variant (also known as c.3047A>C), located in coding exon 10 of the BRCA2 gene, results from an A to C substitution at nucleotide position 3047. The glutamic acid at codon 1016 is replaced by alanine, an amino acid with dissimilar properties. This amino acid position is not well conserved in available vertebrate species. In addition, the in silico prediction for this alteration is inconclusive. Based on the available evidence, the clinical significance of this variant remains unclear.

University of Washington Department of Laboratory Medicine, University of Washington
Classification: Likely benign for Hereditary cancer-predisposing syndrome. Last evaluated: 2023-03-23. Review status: criteria provided, single submitter. Criteria: Dines et al. (Genet Med. 2020). Collection method: curation. Allele origin: germline.
Comment: Missense variant in a coldspot region where missense variants are very unlikely to be pathogenic (PMID:31911673).

BRCA2 exon 11 coldspot. Reclassification based on statistical prior probability.

Labcorp Genetics (formerly Invitae), Labcorp
Classification: Uncertain significance for Hereditary breast ovarian cancer syndrome. Last evaluated: 2022-11-28. Review status: criteria provided, single submitter. Criteria: Invitae Variant Classification Sherloc (09022015). Collection method: clinical testing. Allele origin: germline.
Comment: This variant is not present in population databases (gnomAD no frequency). In summary, the available evidence is currently insufficient to determine the role of this variant in disease. Therefore, it has been classified as a Variant of Uncertain Significance. Advanced modeling of protein sequence and biophysical properties (such as structural, functional, and spatial information, amino acid conservation, physicochemical variation, residue mobility, and thermodynamic stability) performed at Invitae indicates that this missense variant is not expected to disrupt BRCA2 protein function. ClinVar contains an entry for this variant (Variation ID: 1027116). This variant has not been reported in the literature in individuals affected with BRCA2-related conditions. This sequence change replaces glutamic acid, which is acidic and polar, with alanine, which is neutral and non-polar, at codon 1016 of the BRCA2 protein (p.Glu1016Ala).

NM_000059.4(BRCA2):c.3047A>C (p.Glu1016Ala)

Gene: BRCA2 (BRCA2 DNA repair associated; plus strand). Cytogenetic location: 13q13.1.
Variant type: single nucleotide variant.
Coding change: c.3047A>C on transcript NM_000059.4 (MANE Select); coding-DNA position 3047, A replaced by C.
Protein change: p.Glu1016Ala; replaces glutamic acid 1016 with alanine.
Molecular consequence: missense variant.
Genome position (GRCh38, 1-based): chr13:32,337,402, A>C. VCF-style: chr13-32337402-A-C. GRCh37 (hg19) VCF-style: chr13-32911539-A-C.
Other names: c.3047A>C (NM_000059.3); short protein forms E1016A.
Identifiers: ClinVar variation 1027116 (VCV001027116.9), dbSNP rs1566227668, ClinGen allele CA387775024.